The following is an entry in ClinVar:

NM_181458.4(PAX3):c.668G>A (p.Arg223Gln)

Gene: PAX3 (paired box 3; minus strand). Cytogenetic location: 2q36.1.
Variant type: single nucleotide variant.
Coding change: c.668G>A on transcript NM_181458.4 (MANE Select); coding-DNA position 668, G replaced by A.
Protein change: p.Arg223Gln; replaces arginine 223 with glutamine.
Molecular consequence: missense variant.
Genome position (GRCh38, 1-based): chr2:222,232,202, C>T on the plus strand (G>A on the coding strand, the complement: PAX3 is on the minus strand). VCF-style: chr2-222232202-C-T. GRCh37 (hg19) VCF-style: chr2-223096921-C-T.
Other names: c.665G>A, p.Arg222Gln (NM_001127366.3); c.668G>A, p.Arg223Gln (NM_181457.4, NM_181459.4, NM_181460.4 and 1 more transcripts); c.668G>A (NM_181457.3); short protein forms R222Q, R223Q.
Identifiers: ClinVar variation 228387 (VCV000228387.51), dbSNP rs876657717, ClinGen allele CA10576591.

ClinVar aggregate classification (germline): Pathogenic. Review status: criteria provided, multiple submitters, no conflicts (2 of 4 stars). 5 submissions from 5 submitters: Pathogenic (5). Last evaluated 2024-09-06.

Conditions:
Rare genetic deafness. Identifiers: Orphanet 96210, MedGen C5680250.
Waardenburg syndrome. Also called: Waardenburg's syndrome. Identifiers: Orphanet 3440, MedGen C3266898, MONDO:0018094.
Waardenburg syndrome type 1 (WS1). Also called: Waardenburg Syndrome Type I; WAARDENBURG SYNDROME WITH DYSTOPIA CANTHORUM. Identifiers: Orphanet 894, MedGen C1847800, MONDO:0008670, OMIM 193500.

Allele frequency attached by ClinVar (database versions not stated): gnomAD exomes below 0.00001.
gnomAD v4.1: 1 of 1,614,044 alleles (0.000062%); highest among the groups gnomAD compares: South Asian, 0.0011%; no homozygotes.

Submissions (5):

Clinical Genomics Laboratory, Washington University in St. Louis
Classification: Pathogenic for Waardenburg syndrome type 1. Last evaluated: 2024-09-06. Review status: criteria provided, single submitter. Criteria: ACMG Guidelines, 2015. Collection method: clinical testing. Allele origin: germline. Affected: yes.
Comment: The PAX3 c.668G>A (p.Arg223Gln) variant has been reported in at least three individuals affected with Waardenburg syndrome and is reported to segregate with disease in more than 11 affected family members (DeStefano AL et al., PMID: 9654197; Farrer AL et al., PMID: 1349198; Kim SH et al., PMID: 26512583). This variant is only observed on 1/251,314 alleles in the general population (gnomAD v.2.1.1), indicating it is not a common variant. Another variant in the same codon, c.668G>T (p.Arg223Leu), has been reported and is considered pathogenic (Huang L et al., PMID: 36118891, ClinVar Variation ID: 1997771). Computational predictors indicate that the variant is damaging, evidence that correlates with impact to PAX3 function. Based on available information and the ACMG/AMP guidelines for variant interpretation (Richards S et al., PMID: 25741868), this variant is classified as pathogenic.

Labcorp Genetics (formerly Invitae), Labcorp
Classification: Pathogenic. Last evaluated: 2024-07-24. Review status: criteria provided, single submitter. Criteria: Invitae Variant Classification Sherloc (09022015). Collection method: clinical testing. Allele origin: germline.
Comment: This sequence change replaces arginine, which is basic and polar, with glutamine, which is neutral and polar, at codon 223 of the PAX3 protein (p.Arg223Gln). This variant is present in population databases (no rsID available, gnomAD 0.003%). This missense change has been observed in individual(s) with autosomal dominant Waardenburg syndrome (PMID: 9654197, 26512583, 34142234). In at least one individual the variant was observed to be de novo. It has also been observed to segregate with disease in related individuals. ClinVar contains an entry for this variant (Variation ID: 228387). Advanced modeling of protein sequence and biophysical properties (such as structural, functional, and spatial information, amino acid conservation, physicochemical variation, residue mobility, and thermodynamic stability) has been performed at Invitae for this missense variant, however the output from this modeling did not meet the statistical confidence thresholds required to predict the impact of this variant on PAX3 protein function. This variant disrupts the p.Arg223 amino acid residue in PAX3. Other variant(s) that disrupt this residue have been determined to be pathogenic (Invitae). This suggests that this residue is clinically significant, and that variants that disrupt this residue are likely to be disease-causing. For these reasons, this variant has been classified as Pathogenic.

GeneDx
Classification: Pathogenic. Last evaluated: 2024-06-27. Review status: criteria provided, single submitter. Criteria: GeneDx Variant Classification Process June 2021. Collection method: clinical testing. Allele origin: germline. Affected: yes.
Comment: Not observed at significant frequency in large population cohorts (gnomAD); In silico analysis supports that this missense variant has a deleterious effect on protein structure/function; This variant is associated with the following publications: (PMID: 20127975, 21867959, 26512583, 9654197, 8019556, 1349198, 34142234, 36729443)

CeGaT Center for Human Genetics Tuebingen
Classification: Pathogenic. Last evaluated: 2019-10-01. Review status: criteria provided, single submitter. Criteria: CeGaT Center For Human Genetics Tuebingen Variant Classification Criteria Version 2. Collection method: clinical testing. Allele origin: germline. Affected: yes. Observed: 2 variant alleles.

Laboratory for Molecular Medicine, Mass General Brigham Personalized Medicine
Classification: Pathogenic for Rare genetic deafness; Waardenburg syndrome. Last evaluated: 2018-09-21. Review status: criteria provided, single submitter. Criteria: LMM Criteria. Collection method: clinical testing. Allele origin: germline. Inheritance: Autosomal dominant inheritance. Observed: 3 variant alleles.
Comment: The p.Arg222Gln variant in PAX3 (also reported as c.668G>A, p.Arg223Gln) has bee n previously reported 3 individuals with Waardenburg syndrome type 1 (WS1), and segregated with disease in >10 affected family members (Farrer 1992, DeStefano 1 998, Kim 2015, LMM unpublished data). It has been identified in 0.003% (1/30782) of South Asian chromosomes by gnomAD. Comput ational prediction tools and conservation analysis suggest that this variant may impact the protein, and the PAX3 is constrained for missense variants, with a z score of 3.11 in ExAC. In summary, this varian t meets criteria to be classified as pathogenic for autosomal dominant Waardenbu rg syndrome. ACMG/AMP criteria applied: PP1_Strong, PS4_Moderate, PM2_Supporting , PP2, PP3, PP4.

Literature cited by the submitters: PubMed 9654197 (cited by Labcorp Genetics (formerly Invitae), Labcorp and Laboratory for Molecular Medicine, Mass General Brigham Personalized Medicine); PubMed 26512583 (cited by Labcorp Genetics (formerly Invitae), Labcorp and Laboratory for Molecular Medicine, Mass General Brigham Personalized Medicine); PubMed 34142234 (cited by Labcorp Genetics (formerly Invitae), Labcorp); PubMed 1349198 (cited by Laboratory for Molecular Medicine, Mass General Brigham Personalized Medicine).